The following is an entry in ClinVar:

NM_003784.4(SERPINB7):c.181A>G (p.Asn61Asp)

Gene: SERPINB7 (serpin family B member 7; plus strand). Cytogenetic location: 18q21.33.
Variant type: single nucleotide variant.
Coding change: c.181A>G on transcript NM_003784.4 (MANE Select); coding-DNA position 181, A replaced by G.
Protein change: p.Asn61Asp; replaces asparagine 61 with aspartic acid.
Molecular consequence: missense variant. On other transcripts: intron variant (1).
Genome position (GRCh38, 1-based): chr18:63,792,405, A>G. VCF-style: chr18-63792405-A-G. GRCh37 (hg19) VCF-style: chr18-61459639-A-G.
Other names: c.181A>G, p.Asn61Asp (NM_001040147.3, NM_001261830.2); c.169-756A>G (NM_001261831.2); c.181A>G (NM_003784.3); short protein forms N61D.
Identifiers: ClinVar variation 2044929 (VCV002044929.6), dbSNP rs74653657, ClinGen allele CA8989315.
Genomic context (GRCh38, chr18:63,792,405, plus strand): 5'-TCGTAACCTCTGATTCTAATGATTGCTTTCCTTGTGCCCTGTTTACAGTTGCTTCATGTT[A>G]ACACTGCCTCAGGATATGGAAACTCTTCTAATAGTCAGGTAAAGACAATATGTTCTTTTA-3'
Protein context (NP_003775.1, residues 51-71): LSQIDKLLHV[Asn61Asp]TASGYGNSSN

ClinVar aggregate classification (germline): Benign. Review status: criteria provided, single submitter (1 of 4 stars). 2 submissions from 2 submitters: Benign (1). 1 of the submissions does not count toward it. Last evaluated 2026-01-06.

Conditions:
SERPINB7-related disorder. Also called: SERPINB7-related condition.

Allele frequency attached by ClinVar (database versions not stated): gnomAD exomes 0.00026; gnomAD 0.00033; TOPMed 0.00040; ExAC 0.00051; 1000 Genomes Project 30x 0.00156; 1000 Genomes Project 0.00160.
gnomAD v4.1: 442 of 1,604,008 alleles (0.028%); highest among the groups gnomAD compares: East Asian, 0.65%; 2 homozygotes.

Submissions (2):

Labcorp Genetics (formerly Invitae), Labcorp
Classification: Benign. Last evaluated: 2026-01-06. Review status: criteria provided, single submitter. Criteria: Invitae Variant Classification Sherloc (09022015). Collection method: clinical testing. Allele origin: germline.

PreventionGenetics, part of Exact Sciences
Classification: Likely benign for SERPINB7-related condition. Last evaluated: 2019-10-18. Review status: no assertion criteria provided. Collection method: clinical testing. Allele origin: germline. Not counted in ClinVar's aggregate classification.
Comment: This variant is classified as likely benign based on ACMG/AMP sequence variant interpretation guidelines (Richards et al. 2015 PMID: 25741868, with internal and published modifications).